The following is an entry in ClinVar:

ClinVar aggregate classification (germline): Uncertain significance (1 of 4 stars; one submission).

Conditions:
Hereditary cancer-predisposing syndrome. Also called: Hereditary Cancer Syndrome; Hereditary neoplastic syndrome; Neoplastic Syndromes, Hereditary; Tumor predisposition. Identifiers: Orphanet 140162, MedGen C0027672, MeSH D009386, MONDO:0015356.

gnomAD v4.1: 1 of 1,536,776 alleles (0.000065%); highest among the groups gnomAD compares: South Asian, 0.0012%; no homozygotes.

Submission:

Ambry Genetics
Classification: Uncertain significance for Hereditary cancer-predisposing syndrome. Last evaluated: 2025-06-27. Review status: criteria provided, single submitter. Criteria: Ambry Variant Classification Scheme 2023. Collection method: clinical testing. Allele origin: germline.
Comment: The p.A3D variant (also known as c.8C>A), located in coding exon 1 of the ALK gene, results from a C to A substitution at nucleotide position 8. The alanine at codon 3 is replaced by aspartic acid, an amino acid with dissimilar properties. This amino acid position is not well conserved in available vertebrate species. In addition, the in silico prediction for this alteration is inconclusive. Based on the available evidence, the clinical significance of this variant remains unclear.

NM_004304.5(ALK):c.8C>A (p.Ala3Asp)

Gene: ALK (ALK receptor tyrosine kinase; minus strand). Cytogenetic location: 2p23.1.
Variant type: single nucleotide variant.
Coding change: c.8C>A on transcript NM_004304.5 (MANE Select); coding-DNA position 8, C replaced by A.
Protein change: p.Ala3Asp; replaces alanine 3 with aspartic acid.
Molecular consequence: missense variant.
Genome position (GRCh38, 1-based): chr2:29,920,652, G>T on the plus strand (C>A on the coding strand, the complement: ALK is on the minus strand). VCF-style: chr2-29920652-G-T. GRCh37 (hg19) VCF-style: chr2-30143518-G-T.
Other names: short protein forms A3D.
Identifiers: ClinVar variation 4272117 (VCV004272117.1).